The following is an entry in ClinVar:

NM_001354604.2(MITF):c.544A>C (p.Met182Leu)

Gene: MITF (melanocyte inducing transcription factor; plus strand). Cytogenetic location: 3p13.
Variant type: single nucleotide variant.
Coding change: c.544A>C on transcript NM_001354604.2 (MANE Select); coding-DNA position 544, A replaced by C.
Protein change: p.Met182Leu; replaces methionine 182 with leucine.
Molecular consequence: missense variant. On other transcripts: intron variant (1).
Genome position (GRCh38, 1-based): chr3:69,938,011, A>C. VCF-style: chr3-69938011-A-C. GRCh37 (hg19) VCF-style: chr3-69987162-A-C.
Other names: c.223A>C, p.Met75Leu (NM_000248.4, NM_001184968.2, NM_198158.3); c.388A>C, p.Met130Leu (NM_001184967.2, NM_001354608.2); c.541A>C, p.Met181Leu (NM_001354605.2, NM_001354606.2, NM_006722.3); c.493A>C, p.Met165Leu (NM_001354607.2); c.544A>C, p.Met182Leu (NM_198159.3); c.496A>C, p.Met166Leu (NM_198177.3); c.93+130A>C (NM_198178.3); short protein forms M165L, M182L, M166L, M181L, M130L, M75L.
Identifiers: ClinVar variation 2954081 (VCV002954081.4), dbSNP rs2471586048, ClinGen allele CA353560665.
Genomic context (GRCh38, chr3:69,938,011, plus strand): 5'-AACCAGCCTGGCGATCATGTCATGCCACCGGTGCCGGGGAGCAGCGCACCCAACAGCCCC[A>C]TGGCTATGCTTACGCTTAACTCCAACTGTGAAAAAGAGGTAATTCATGTCTCCTCTCCTC-3'
Protein context (NP_001341533.1, residues 172-192): VPGSSAPNSP[Met182Leu]AMLTLNSNCE

ClinVar aggregate classification (germline): Uncertain significance. Review status: criteria provided, multiple submitters, no conflicts (2 of 4 stars). 2 submissions from 2 submitters: Uncertain significance (2). Last evaluated 2025-11-17.

Conditions:
Hereditary cancer-predisposing syndrome. Also called: Tumor predisposition; Hereditary neoplastic syndrome; Neoplastic Syndromes, Hereditary; Hereditary Cancer Syndrome. Identifiers: Orphanet 140162, MedGen C0027672, MeSH D009386, MONDO:0015356.
Waardenburg syndrome type 2A (WS2A). Also called: WAARDENBURG SYNDROME WITHOUT DYSTOPIA CANTHORUM. Identifiers: Orphanet 3440, MedGen C1860339, MONDO:0008671, OMIM 193510.
Melanoma, cutaneous malignant, susceptibility to, 8. Also called: Cutaneous malignant melanoma 8; MELANOMA AND RENAL CELL CARCINOMA, SUSCEPTIBILITY TO. Identifiers: Orphanet 293822, MedGen C3152204, MONDO:0013759, OMIM 614456.
Tietz syndrome (TADS). Also called: TIETZ ALBINISM-DEAFNESS SYNDROME; HYPOPIGMENTATION/DEAFNESS OF TIETZ; ALBINISM-DEAFNESS OF TIETZ. Identifiers: Orphanet 42665, MedGen C0391816, MONDO:0007077, OMIM 103500.

Submissions (2):

Ambry Genetics
Classification: Uncertain significance for Hereditary cancer-predisposing syndrome. Last evaluated: 2025-11-17. Review status: criteria provided, single submitter. Criteria: Ambry Variant Classification Scheme 2023. Collection method: clinical testing. Allele origin: germline.
Comment: The p.M75L variant (also known as c.223A>C), located in coding exon 2 of the MITF gene, results from an A to C substitution at nucleotide position 223. The methionine at codon 75 is replaced by leucine, an amino acid with highly similar properties. This amino acid position is conserved. In addition, this alteration is predicted to be tolerated by in silico analysis. Based on the available evidence, the clinical significance of this variant remains unclear.

Labcorp Genetics (formerly Invitae), Labcorp
Classification: Uncertain significance for Melanoma, cutaneous malignant, susceptibility to, 8; Waardenburg syndrome type 2A; Tietz syndrome. Last evaluated: 2024-01-29. Review status: criteria provided, single submitter. Criteria: Invitae Variant Classification Sherloc (09022015). Collection method: clinical testing. Allele origin: germline.
Comment: This sequence change replaces methionine, which is neutral and non-polar, with leucine, which is neutral and non-polar, at codon 75 of the MITF protein (p.Met75Leu). This variant is not present in population databases (gnomAD no frequency). This variant has not been reported in the literature in individuals affected with MITF-related conditions. Advanced modeling of protein sequence and biophysical properties (such as structural, functional, and spatial information, amino acid conservation, physicochemical variation, residue mobility, and thermodynamic stability) performed at Invitae indicates that this missense variant is not expected to disrupt MITF protein function with a negative predictive value of 80%. In summary, the available evidence is currently insufficient to determine the role of this variant in disease. Therefore, it has been classified as a Variant of Uncertain Significance.